The following is an entry in ClinVar:

NM_001145809.2(MYH14):c.66G>A (p.Glu22=)

Gene: MYH14 (myosin heavy chain 14; plus strand). Cytogenetic location: 19q13.33.
Variant type: single nucleotide variant.
Coding change: c.66G>A on transcript NM_001145809.2 (MANE Select); coding-DNA position 66, G replaced by A.
Protein change: p.Glu22=; no amino-acid change (glutamic acid 22 retained).
Molecular consequence: synonymous variant.
Genome position (GRCh38, 1-based): chr19:50,210,431, G>A. VCF-style: chr19-50210431-G-A. GRCh37 (hg19) VCF-style: chr19-50713688-G-A.
Other names: c.66G>A, p.Glu22= (NM_001077186.2, NM_024729.4).
Identifiers: ClinVar variation 930043 (VCV000930043.4), dbSNP rs2032117052, ClinGen allele CA508302472.

ClinVar aggregate classification (germline): Likely benign (1 of 4 stars; one submission).

Submission:

Laboratory for Molecular Medicine, Mass General Brigham Personalized Medicine
Classification: Likely benign. Last evaluated: 2020-01-14. Review status: criteria provided, single submitter. Criteria: LMM Criteria. Collection method: clinical testing. Allele origin: germline. Observed: 1 variant allele.
Comment: The p.Glu22Glu variant in MYH14 is classified as likely benign because it does not alter an amino acid residue, it is not located within the splice consensus sequence, and splice prediction algorithms do not predict a newly created splice site. ACMG/AMP Criteria applied: BP4, BP7.